The following is an entry in ClinVar:

ClinVar aggregate classification (germline): Uncertain significance. Review status: criteria provided, multiple submitters, no conflicts (2 of 4 stars). 2 submissions from 2 submitters: Uncertain significance (2). Last evaluated 2025-03-25.

Conditions:
Pulmonary fibrosis and/or bone marrow failure, Telomere-related, 3. Also called: PULMONARY FIBROSIS AND/OR BONE MARROW FAILURE SYNDROME, TELOMERE-RELATED, 3. Identifiers: Orphanet 2032, MedGen C4225346, MONDO:0014613, OMIM 616373.
Dyskeratosis congenita, autosomal recessive 5 (DKCB5). Identifiers: MedGen C3554656, MONDO:0014076, OMIM 615190.
Inborn genetic diseases. Identifiers: MedGen C0950123, MeSH D030342.

gnomAD v4.1: 4 of 1,614,010 alleles (0.00025%); highest among the groups gnomAD compares: South Asian, 0.0011%; no homozygotes.

Submissions (2):

Labcorp Genetics (formerly Invitae), Labcorp
Classification: Uncertain significance for Dyskeratosis congenita, autosomal recessive 5; Pulmonary fibrosis and/or bone marrow failure, Telomere-related, 3. Last evaluated: 2025-03-25. Review status: criteria provided, single submitter. Criteria: Invitae Variant Classification Sherloc (09022015). Collection method: clinical testing. Allele origin: germline.
Comment: This sequence change replaces glutamic acid, which is acidic and polar, with lysine, which is basic and polar, at codon 285 of the RTEL1 protein (p.Glu285Lys). This variant is not present in population databases (gnomAD no frequency). This variant has not been reported in the literature in individuals affected with RTEL1-related conditions. An algorithm developed to predict the effect of missense changes on protein structure and function (PolyPhen-2) suggests that this variant is likely to be tolerated. In summary, the available evidence is currently insufficient to determine the role of this variant in disease. Therefore, it has been classified as a Variant of Uncertain Significance.

Ambry Genetics
Classification: Uncertain significance for Inborn genetic diseases. Last evaluated: 2025-03-03. Review status: criteria provided, single submitter. Criteria: Ambry Variant Classification Scheme 2023. Collection method: clinical testing. Allele origin: germline.
Comment: The p.E285K variant (also known as c.853G>A), located in coding exon 9 of the RTEL1 gene, results from a G to A substitution at nucleotide position 853. The glutamic acid at codon 285 is replaced by lysine, an amino acid with similar properties. This amino acid position is conserved. In addition, the in silico prediction for this alteration is inconclusive. Based on the available evidence, the clinical significance of this variant remains unclear.

NM_001283009.2(RTEL1):c.853G>A (p.Glu285Lys)

Genes: RTEL1 (regulator of telomere elongation helicase 1; plus strand), RTEL1-TNFRSF6B (RTEL1-TNFRSF6B readthrough (NMD candidate); plus strand). Cytogenetic location: 20q13.33.
Variant type: single nucleotide variant.
Coding change: c.853G>A on transcript NM_001283009.2 (MANE Select); coding-DNA position 853, G replaced by A.
Protein change: p.Glu285Lys; replaces glutamic acid 285 with lysine.
Molecular consequence: missense variant. On other transcripts: non-coding transcript variant (1).
Genome position (GRCh38, 1-based): chr20:63,674,027, G>A. VCF-style: chr20-63674027-G-A. GRCh37 (hg19) VCF-style: chr20-62305380-G-A.
Other names: c.184G>A, p.Glu62Lys (NM_001283010.1); c.853G>A, p.Glu285Lys (NM_016434.4); c.925G>A, p.Glu309Lys (NM_032957.5); short protein forms E285K, E309K, E62K.
Identifiers: ClinVar variation 3791195 (VCV003791195.2).